The following is an entry in ClinVar:

ClinVar aggregate classification (germline): Conflicting classifications of pathogenicity. Review status: criteria provided, conflicting classifications (1 of 4 stars). 2 submissions from 2 submitters: Uncertain significance (1); Likely benign (1). Last evaluated 2025-10-15.

Conditions:
TNC-related disorder. Also called: TNC-related condition.

Allele frequency attached by ClinVar (database versions not stated): gnomAD 0.00007 and 0.00009; ExAC 0.00008; gnomAD exomes 0.00008; TOPMed 0.00009; ESP Exome Variant Server 0.00031; 1000 Genomes Project 30x 0.00047.
gnomAD v4.1: 129 of 1,614,022 alleles (0.008%); highest among the groups gnomAD compares: East Asian, 0.045%; no homozygotes.

Submissions (2):

PreventionGenetics, part of Exact Sciences
Classification: Uncertain significance for TNC-related condition. Last evaluated: 2025-10-15. Review status: criteria provided, single submitter. Criteria: ACMG Guidelines, 2015. Collection method: clinical testing. Allele origin: germline.
Comment: The TNC c.4685C>T variant is predicted to result in the amino acid substitution p.Thr1562Met. To our knowledge, this variant has not been reported in the literature. This variant is reported in 0.040% of alleles in individuals of East Asian descent in gnomAD. Although we suspect that this variant may be benign, at this time, the clinical significance of this variant is uncertain due to the absence of conclusive functional and genetic evidence.

CeGaT Center for Human Genetics Tuebingen
Classification: Likely benign. Last evaluated: 2022-07-01. Review status: criteria provided, single submitter. Criteria: CeGaT Center For Human Genetics Tuebingen Variant Classification Criteria Version 2. Collection method: clinical testing. Allele origin: germline. Affected: yes. Observed: 1 variant allele.
Comment: TNC: BP4, BS1

NM_002160.4(TNC):c.4685C>T (p.Thr1562Met)

Gene: TNC (tenascin C; minus strand). Cytogenetic location: 9q33.1.
Variant type: single nucleotide variant.
Coding change: c.4685C>T on transcript NM_002160.4 (MANE Select); coding-DNA position 4685, C replaced by T.
Protein change: p.Thr1562Met; replaces threonine 1562 with methionine.
Molecular consequence: missense variant.
Genome position (GRCh38, 1-based): chr9:115,048,427, G>A on the plus strand (C>T on the coding strand, the complement: TNC is on the minus strand). VCF-style: chr9-115048427-G-A. GRCh37 (hg19) VCF-style: chr9-117810706-G-A.
Other names: c.4685C>T (NM_002160.3); short protein forms T1562M.
Identifiers: ClinVar variation 1701577 (VCV001701577.32), dbSNP rs145720474, ClinGen allele CA5207850.